The following is an entry in ClinVar:

NM_024312.5(GNPTAB):c.518del (p.Pro173fs)

Gene: GNPTAB (N-acetylglucosamine-1-phosphate transferase subunits alpha and beta; minus strand). Cytogenetic location: 12q23.2.
Variant type: Deletion.
Coding change: c.518del on transcript NM_024312.5 (MANE Select); coding-DNA position 518, one base deleted (C; older notation c.518delC).
Protein change: p.Pro173fs; shifts the reading frame from proline 173.
Molecular consequence: frameshift variant.
Genome position (GRCh38, 1-based): chr12:101,786,065, G deleted on the plus strand (C on the coding strand, the reverse complement: GNPTAB is on the minus strand); the first of 2 consecutive G bases (chr12:101,786,065-101,786,066); deleting either gives the same sequence. VCF-style (leftmost placement, unchanged base first): chr12-101786064-TG-T. GRCh37 (hg19) VCF-style: chr12-102179842-TG-T.
Other names: c.518delC (NM_024312.5); short protein forms P173fs.
Identifiers: ClinVar variation 1679880 (VCV001679880.4), dbSNP rs2137144428, ClinGen allele CA2573147974.
Genomic context (GRCh38, chr12:101,786,064, plus strand): 5'-GATCTTACCATCCTTAGTACTGTCAAAAACAACAACTGAGACATTGGTAGAAGGGTTTTT[TG>T]GTTTTGCAACATTGAAAATGTCACTGGCAGAATGAAAAGAAGGATAAAGAGATGGCAGGT-3'

ClinVar aggregate classification (germline): Pathogenic. Review status: criteria provided, multiple submitters, no conflicts (2 of 4 stars). 2 submissions from 2 submitters: Pathogenic (2). Last evaluated 2024-03-08.

Conditions:
GNPTAB-mucolipidosis. Also called: UDP-N-acetylglucosamine-1-phosphotransferase subunit alpha/beta deficiency. Identifiers: MedGen CN322573, MONDO:0100122.
Mucolipidosis type II. Also called: ML II ALPHA/BETA; Mucolipidosis 2; ML 2; Inclusion cell disease; Leroy Disease; N-acetylglucosamine 1phosphotransferase deficiency. Identifiers: Orphanet 576, MedGen C2673377, MONDO:0009650, OMIM 252500.

Submissions (2):

Myriad Genetics, Inc.
Classification: Pathogenic for GNPTAB-mucolipidosis. Last evaluated: 2024-03-08. Review status: criteria provided, single submitter. Criteria: Myriad Autosomal Dominant, Autosomal Recessive and X-Linked Classification Criteria (2023). Collection method: clinical testing. Allele origin: unknown.
Comment: NM_024312.4(GNPTAB):c.518delC(P173Qfs*40) is expected to be pathogenic in the context of GNPTAB-related disorders. This variant is predicted to lead to an abnormal or absent protein product due to the creation of a premature termination codon in GNPTAB, a gene where loss-of-function variants are known to be pathogenic. Please note: this variant was assessed in the context of healthy population screening.

Kasturba Medical College, Manipal, Kasturba Medical College, Manipal, Manipal Academy of Higher Education, Manipal, India
Classification: Pathogenic for Mucolipidosis type II. Last evaluated: 2022-05-09. Review status: criteria provided, single submitter. Criteria: ACMG Guidelines, 2015. Collection method: clinical testing. Allele origin: germline. Affected: yes.